The following is an entry in ClinVar:

ClinVar aggregate classification (germline): Uncertain significance (1 of 4 stars; one submission).

Allele frequency attached by ClinVar (database versions not stated): gnomAD 0.00001.
gnomAD v4.1: 3 of 1,521,918 alleles (0.0002%); highest among the groups gnomAD compares: Non-Finnish European, 0.00026%; no homozygotes.

Submission:

Women's Health and Genetics/Laboratory Corporation of America, LabCorp
Classification: Uncertain significance. Last evaluated: 2024-03-12. Review status: criteria provided, single submitter. Criteria: LabCorp Variant Classification Summary - May 2015. Collection method: clinical testing. Allele origin: germline.
Comment: Variant summary: KBTBD13 c.581C>A (p.Pro194His) results in a non-conservative amino acid change in the encoded protein sequence. Five of five in-silico tools predict a damaging effect of the variant on protein function. The frequency data for this variant in gnomAD is considered unreliable, as metrics indicate poor data quality at this position. To our knowledge, no occurrence of c.581C>A in individuals affected with Nemaline Myopathy 6 and no experimental evidence demonstrating its impact on protein function have been reported. No submitters have cited clinical-significance assessments for this variant to ClinVar. Based on the evidence outlined above, the variant was classified as uncertain significance.

NM_001101362.3(KBTBD13):c.581C>A (p.Pro194His)

Gene: KBTBD13 (kelch repeat and BTB domain containing 13; plus strand). Cytogenetic location: 15q22.31.
Variant type: single nucleotide variant.
Coding change: c.581C>A on transcript NM_001101362.3 (MANE Select); coding-DNA position 581, C replaced by A.
Protein change: p.Pro194His; replaces proline 194 with histidine.
Molecular consequence: missense variant.
Genome position (GRCh38, 1-based): chr15:65,077,396, C>A. VCF-style: chr15-65077396-C-A. GRCh37 (hg19) VCF-style: chr15-65369734-C-A.
Other names: short protein forms P194H.
Identifiers: ClinVar variation 3233487 (VCV003233487.2), dbSNP rs1481658087, ClinGen allele CA392861601.
Genomic context (GRCh38, chr15:65,077,396, plus strand): 5'-CGCGCACGCTGTGTTACCTGGACGAGGAAGAGGACGCGTGGCGCACGCTGGCTGCGCTGC[C>A]CCTGGAGGCCAGCACGTTGCTGGCCGGGGTGGCCACGCTGGGCAACAAGCTTTACATCGT-3'
Protein context (NP_001094832.1, residues 184-204): EDAWRTLAAL[Pro194His]LEASTLLAGV